The following is an entry in ClinVar:

NM_014855.3(AP5Z1):c.180-3C>T

Gene: AP5Z1 (adaptor related protein complex 5 subunit zeta 1; plus strand). Cytogenetic location: 7p22.1.
Variant type: single nucleotide variant.
Coding change: c.180-3C>T on transcript NM_014855.3 (MANE Select); 3 bases into the intron before coding-DNA position 180, C replaced by T.
Molecular consequence: intron variant.
Genome position (GRCh38, 1-based): chr7:4,781,565, C>T. VCF-style: chr7-4781565-C-T. GRCh37 (hg19) VCF-style: chr7-4821196-C-T.
Other names: c.-103+253C>T (NM_001364858.1).
Identifiers: ClinVar variation 2033485 (VCV002033485.4), dbSNP rs1481553557, ClinGen allele CA572818915.

ClinVar aggregate classification (germline): Uncertain significance (1 of 4 stars; one submission).

Conditions:
Hereditary spastic paraplegia 48. Also called: Spastic paraplegia 48; SPASTIC PARAPLEGIA 48, AUTOSOMAL RECESSIVE. Identifiers: Orphanet 306511, MedGen C3150901, MONDO:0013342, OMIM 613647.

gnomAD v4.1: 1 of 1,603,010 alleles (0.000062%); highest among the groups gnomAD compares: Admixed American, 0.0017%; no homozygotes.

Submission:

Labcorp Genetics (formerly Invitae), Labcorp
Classification: Uncertain significance for Hereditary spastic paraplegia 48. Last evaluated: 2022-09-30. Review status: criteria provided, single submitter. Criteria: Invitae Variant Classification Sherloc (09022015). Collection method: clinical testing. Allele origin: germline.
Comment: In summary, the available evidence is currently insufficient to determine the role of this variant in disease. Therefore, it has been classified as a Variant of Uncertain Significance. Variants that disrupt the consensus splice site are a relatively common cause of aberrant splicing (PMID: 17576681, 9536098). Algorithms developed to predict the effect of sequence changes on RNA splicing suggest that this variant is not likely to affect RNA splicing. This variant has not been reported in the literature in individuals affected with AP5Z1-related conditions. This variant is present in population databases (no rsID available, gnomAD 0.003%). This sequence change falls in intron 2 of the AP5Z1 gene. It does not directly change the encoded amino acid sequence of the AP5Z1 protein. It affects a nucleotide within the consensus splice site.

Literature cited by the submitters: PubMed 17576681; PubMed 9536098.